The following is an entry in ClinVar:

NC_000010.10:g.(?_102566167)_(102566382_?)del

Gene: PAX2 (paired box 2; plus strand). Cytogenetic location: 10q24.31.
Variant type: Deletion.
Identifiers: ClinVar variation 1073074 (VCV001073074.5).

ClinVar aggregate classification (germline): Pathogenic (1 of 4 stars; one submission).

Conditions:
Focal segmental glomerulosclerosis 7 (FSGS7). Identifiers: Orphanet 656, MedGen C4014925, MONDO:0014451, OMIM 616002.
Renal coloboma syndrome (PAPRS). Also called: RENAL-COLOBOMA SYNDROME WITH MACULAR ABNORMALITIES; OPTIC COLOBOMA, VESICOURETERAL REFLUX, AND RENAL ANOMALIES; OPTIC NERVE COLOBOMA WITH RENAL DISEASE; CAKUT WITH OR WITHOUT OCULAR ABNORMALITIES; CONGENITAL ANOMALIES OF THE KIDNEY AND URINARY TRACT WITH OR WITHOUT OCULAR ABNORMALITIES; COLOBOMA OF OPTIC NERVE WITH RENAL DISEASE. Identifiers: Orphanet 1475, MedGen C1852759, MONDO:0007352, OMIM 120330.

Submission:

Labcorp Genetics (formerly Invitae), Labcorp
Classification: Pathogenic for Renal coloboma syndrome; Focal segmental glomerulosclerosis 7. Last evaluated: 2020-05-13. Review status: criteria provided, single submitter. Criteria: Invitae Variant Classification Sherloc (09022015). Collection method: clinical testing. Allele origin: germline.
Comment: For these reasons, this variant has been classified as Pathogenic. Loss-of-function variants in PAX2 are known to be pathogenic (PMID: 11461952, 24676634). This variant has not been reported in the literature in individuals with PAX2-related conditions. This variant is an out-of-frame deletion of the genomic region encompassing exon(s) 6 of the PAX2 gene. This is expected to create a premature translational stop signal and result in an absent or disrupted protein product.

Literature cited by the submitters: PubMed 11461952; PubMed 24676634.